The following is an entry in ClinVar:

ClinVar aggregate classification (germline): Uncertain significance (1 of 4 stars; one submission).

Conditions:
Hereditary cancer-predisposing syndrome. Also called: Tumor predisposition; Hereditary neoplastic syndrome; Hereditary Cancer Syndrome; Neoplastic Syndromes, Hereditary. Identifiers: Orphanet 140162, MedGen C0027672, MeSH D009386, MONDO:0015356.

Submission:

Ambry Genetics
Classification: Uncertain significance for Hereditary cancer-predisposing syndrome. Last evaluated: 2025-04-02. Review status: criteria provided, single submitter. Criteria: Ambry Variant Classification Scheme 2023. Collection method: clinical testing. Allele origin: germline.
Comment: The c.938_939delGCinsAG variant (also known as p.R313Q), located in coding exon 9 of the SMARCE1 gene, results from an in-frame deletion of GC and insertion of AG at nucleotide positions 938 to 939. This results in the substitution of the arginine residue for a glutamine residue at codon 313, an amino acid with highly similar properties. This amino acid position is well conserved in available vertebrate species. In addition, this alteration is predicted to be neutral by in silico analysis (Choi Y et al. PLoS ONE. 2012; 7(10):e46688). Based on the available evidence, the clinical significance of this variant remains unclear.

NM_003079.5(SMARCE1):c.938_939delinsAG (p.Arg313Gln)

Gene: SMARCE1 (SWI/SNF related BAF chromatin remodeling complex subunit E1; minus strand). Cytogenetic location: 17q21.2.
Variant type: Indel.
Coding change: c.938_939delinsAG on transcript NM_003079.5 (MANE Select); coding-DNA positions 938 to 939, GC replaced by AG.
Protein change: p.Arg313Gln; replaces arginine 313 with glutamine.
Molecular consequence: missense variant.
Genome position (GRCh38, 1-based): chr17:40,630,802-40,630,803, GC replaced by CT on the plus strand (GC replaced by AG on the coding strand, the reverse complement: SMARCE1 is on the minus strand). VCF-style: chr17-40630802-GC-CT. GRCh37 (hg19) VCF-style: chr17-38787054-GC-CT.
Other names: short protein forms R313Q.
Identifiers: ClinVar variation 3958585 (VCV003958585.1).